The following is an entry in ClinVar:

ClinVar aggregate classification (germline): Likely benign (1 of 4 stars; one submission).

gnomAD v4.1: 8 of 1,612,904 alleles (0.0005%); highest among the groups gnomAD compares: Non-Finnish European, 0.00068%; no homozygotes.

Submission:

CeGaT Center for Human Genetics Tuebingen
Classification: Likely benign. Last evaluated: 2026-04-01. Review status: criteria provided, single submitter. Criteria: CeGaT Center For Human Genetics Tuebingen Variant Classification Criteria Version 2. Collection method: clinical testing. Allele origin: germline. Affected: yes. Observed: 1 variant allele.
Comment: WDFY3: BP4

NM_014991.6(WDFY3):c.42G>A (p.Glu14=)

Gene: WDFY3 (WD repeat and FYVE domain containing 3; minus strand). Cytogenetic location: 4q21.23.
Variant type: single nucleotide variant.
Coding change: c.42G>A on transcript NM_014991.6 (MANE Select); coding-DNA position 42, G replaced by A.
Protein change: p.Glu14=; no amino-acid change (glutamic acid 14 retained).
Molecular consequence: synonymous variant.
Genome position (GRCh38, 1-based): chr4:84,860,550, C>T on the plus strand (G>A on the coding strand, the complement: WDFY3 is on the minus strand). VCF-style: chr4-84860550-C-T. GRCh37 (hg19) VCF-style: chr4-85781703-C-T.
Identifiers: ClinVar variation 4873393 (VCV004873393.2).